The following is an entry in ClinVar:

ClinVar aggregate classification (germline): Uncertain significance. Review status: criteria provided, single submitter (1 of 4 stars). 2 submissions from 2 submitters: Uncertain significance (1). 1 of the submissions does not count toward it. Last evaluated 2025-11-27.

Conditions:
Immunodeficiency, common variable, 14. Identifiers: Orphanet 696904, MedGen C4540380, MONDO:0054691, OMIM 617765.

Submissions (2):

Labcorp Genetics (formerly Invitae), Labcorp
Classification: Uncertain significance. Last evaluated: 2025-11-27. Review status: criteria provided, single submitter. Criteria: Invitae Variant Classification Sherloc (09022015). Collection method: clinical testing. Allele origin: germline.
Comment: This sequence change creates a premature translational stop signal (p.Ala110Argfs*48) in the IRF2BP2 gene. It is expected to result in an absent or disrupted protein product. However, the current clinical and genetic evidence is not sufficient to establish whether loss-of-function variants in IRF2BP2 cause disease. The frequency data for this variant in the population databases is considered unreliable, as metrics indicate poor data quality at this position in the gnomAD database. This premature translational stop signal has been observed in individual(s) with common variable immunodeficiency (CVID) (PMID: 37876937). ClinVar contains an entry for this variant (Variation ID: 2577526). In summary, the available evidence is currently insufficient to determine the role of this variant in disease. Therefore, it has been classified as a Variant of Uncertain Significance.

Healthincode, Healthincode group
Classification: Pathogenic for Immunodeficiency, common variable, 14. Review status: no assertion criteria provided. Collection method: clinical testing. Allele origin: de novo. Inheritance: Autosomal dominant inheritance. Affected: yes. Observed: 1 heterozygote. Not counted in ClinVar's aggregate classification.
Comment: This variant is predicted to produce a premature stop codon of the traslation in Ithe IRF2BP2 gene. Monoallelic defects with truncating effect in the protein sequence of IRF2BP2 leads to the development of CVID type 14.

Literature cited by the submitters: PubMed 37876937 (cited by Labcorp Genetics (formerly Invitae), Labcorp).

NM_182972.3(IRF2BP2):c.314_324dup (p.Ala110fs)

Genes: IRF2BP2 (interferon regulatory factor 2 binding protein 2; minus strand), LOC129932812 (ATAC-STARR-seq lymphoblastoid silent region 1977; plus strand). Cytogenetic location: 1q42.3.
Variant type: Duplication.
Coding change: c.314_324dup on transcript NM_182972.3 (MANE Select); coding-DNA positions 314 to 324, 11 bases duplicated (AGGCGGCCCCG).
Protein change: p.Ala110fs; shifts the reading frame from alanine 110.
Molecular consequence: frameshift variant.
Genome position (GRCh38, 1-based): chr1:234,609,171-234,609,181, CGGGGCCGCCT duplicated on the plus strand (AGGCGGCCCCG on the coding strand, the reverse complement: IRF2BP2 is on the minus strand); duplicating any 11 consecutive bases within chr1:234,609,171-234,609,191 gives the same sequence; the c. name uses the placement nearest the transcript's 3' end. VCF-style (leftmost placement, unchanged base first): chr1-234609170-G-GCGGGGCCGCCT. GRCh37 (hg19) VCF-style: chr1-234744916-G-GCGGGGCCGCCT.
Other names: c.314_324dup, p.Ala110fs (NM_001077397.1); short protein forms A110fs.
Identifiers: ClinVar variation 2577526 (VCV002577526.3), dbSNP rs1399395271, ClinGen allele CA529918298.